The following is an entry in ClinVar:

NM_005797.4(MPZL2):c.463del (p.Ala155fs)

Gene: MPZL2 (myelin protein zero like 2; minus strand). Cytogenetic location: 11q23.3.
Variant type: Deletion.
Coding change: c.463del on transcript NM_005797.4 (MANE Select); coding-DNA position 463, one base deleted (G; older notation c.463delG).
Protein change: p.Ala155fs; shifts the reading frame from alanine 155.
Molecular consequence: frameshift variant.
Genome position (GRCh38, 1-based): chr11:118,260,175, C deleted on the plus strand (G on the coding strand, the reverse complement: MPZL2 is on the minus strand); the first of 2 consecutive C bases (chr11:118,260,175-118,260,176); deleting either gives the same sequence. VCF-style (leftmost placement, unchanged base first): chr11-118260174-GC-G. GRCh37 (hg19) VCF-style: chr11-118130889-GC-G.
Other names: c.463delG (NM_005797.4); c.463del, p.Ala155fs (NM_144765.3); short protein forms A155fs.
Identifiers: ClinVar variation 689320 (VCV000689320.8), dbSNP rs759432278, ClinGen allele CA6301336.

ClinVar aggregate classification (germline): Pathogenic/Likely pathogenic. Review status: criteria provided, multiple submitters, no conflicts (2 of 4 stars). 5 submissions from 5 submitters: Pathogenic (3); Likely pathogenic (1). 1 of the submissions does not count toward it. Last evaluated 2022-12-13.

Conditions:
MPZL2-related disorder. Also called: MPZL2-related condition.
Hearing loss, autosomal recessive 111. Also called: DEAFNESS, AUTOSOMAL RECESSIVE 111. Identifiers: MedGen C4748374, MONDO:0029142, OMIM 618145.

Submissions (5):

Genetic Testing Center for Deafness, Department of Otolaryngology Head & Neck Surgery, Institute of Otolaryngology, Chinese PLA General Hospital
Classification: Pathogenic for Hearing loss, autosomal recessive 111. Last evaluated: 2022-12-13. Review status: criteria provided, single submitter. Criteria: ClinGen HL ACMG Specifications v1. Collection method: clinical testing. Allele origin: paternal. Affected: yes. Observed: 1 variant allele.

Blueprint Genetics
Classification: Likely pathogenic for MPZL2-related disorders. Last evaluated: 2022-03-10. Review status: criteria provided, single submitter. Criteria: ACMG Guidelines, 2015. Collection method: clinical testing. Allele origin: germline. Affected: yes. Observed: 2 variant alleles.

3billion
Classification: Pathogenic for Hearing loss, autosomal recessive 111. Last evaluated: 2022-01-03. Review status: criteria provided, single submitter. Criteria: ACMG Guidelines, 2015. Collection method: clinical testing. Allele origin: germline. Affected: yes. Observed: 1 heterozygote.
Comment: Frameshift: predicted to result in a loss or disruption of normal protein function through nonsense-mediated decay (NMD) or protein truncation. Multiple pathogenic variants are reported downstream of the variant (PVS1_VS). It is observed at an extremely low frequency in the gnomAD v2.1.1 dataset (total allele frequency: 0.00003, PM2_M). The variant has been reported to be associated with MPZL2 related disorder (ClinVar ID: VCV000689320, PMID:32203226, 3billion dataset). Therefore, this variant is classified as pathogenic according to the recommendation of ACMG/AMP guideline.

Juno Genomics, Hangzhou Juno Genomics, Inc
Classification: Pathogenic for Hearing loss, autosomal recessive 111. Review status: criteria provided, single submitter. Criteria: ACMG Guidelines, 2015. Collection method: clinical testing. Allele origin: germline. Affected: yes.
Comment: Absent from controls (or at extremely low frequency if recessive) in Genome Aggregation Database, Exome Sequencing Project, 1000 Genomes Project, or Exome Aggregation Consortium.;Null variant in a gene where loss of function (LOF) is a known mechanism of disease.;For recessive disorders, detected in trans with a pathogenic variant.;Co-segregation with disease in multiple affected family members in a gene definitively known to cause the disease.

Laboratory of Molecular Genetics, Brain Korea 21 PLUS Project for Medical Sciences, Yonsei University College of Medicine
Classification: Pathogenic for Hearing loss, autosomal recessive 111. Last evaluated: 2019-08-28. Review status: no assertion criteria provided. Collection method: research. Allele origin: germline. Inheritance: Autosomal recessive inheritance. Affected: yes. Observed: 1 compound heterozygote. Not counted in ClinVar's aggregate classification.
Comment: AR NSHL had a characteristic of moderate and progressive hearing loss.

Literature cited by the submitters: PubMed 32203226 (cited by 3billion).